The following is an entry in ClinVar:

NM_003128.3(SPTBN1):c.4412T>C (p.Leu1471Pro)

Gene: SPTBN1 (spectrin beta, non-erythrocytic 1; plus strand). Cytogenetic location: 2p16.2.
Variant type: single nucleotide variant.
Coding change: c.4412T>C on transcript NM_003128.3 (MANE Select); coding-DNA position 4412, T replaced by C.
Protein change: p.Leu1471Pro; replaces leucine 1471 with proline.
Molecular consequence: missense variant.
Genome position (GRCh38, 1-based): chr2:54,645,371, T>C. VCF-style: chr2-54645371-T-C. GRCh37 (hg19) VCF-style: chr2-54872508-T-C.
Other names: c.4373T>C, p.Leu1458Pro (NM_178313.3); short protein forms L1458P, L1471P.
Identifiers: ClinVar variation 3900423 (VCV003900423.1).

ClinVar aggregate classification (germline): Uncertain significance (1 of 4 stars; one submission).

Submission:

GeneDx
Classification: Uncertain significance. Last evaluated: 2024-11-20. Review status: criteria provided, single submitter. Criteria: GeneDx Variant Classification Process June 2021. Collection method: clinical testing. Allele origin: germline. Affected: yes.
Comment: Not observed at significant frequency in large population cohorts (gnomAD); In silico analysis supports that this missense variant has a deleterious effect on protein structure/function; Has not been previously published as pathogenic or benign to our knowledge